The following is an entry in ClinVar:

ClinVar aggregate classification (germline): Benign/Likely benign. Review status: criteria provided, multiple submitters, no conflicts (2 of 4 stars). 3 submissions from 3 submitters: Benign (1); Likely benign (2). Last evaluated 2024-09-10.

Conditions:
Hereditary cancer-predisposing syndrome. Also called: Neoplastic Syndromes, Hereditary; Tumor predisposition; Hereditary Cancer Syndrome; Hereditary neoplastic syndrome. Identifiers: Orphanet 140162, MedGen C0027672, MeSH D009386, MONDO:0015356.
Familial cancer of breast. Also called: BREAST CANCER, FAMILIAL; Hereditary breast cancer; hereditary breast carcinoma. Identifiers: Orphanet 227535, MedGen C0346153, MONDO:0016419, OMIM 114480. Disease mechanism: loss of function.

Submissions (3):

Myriad Genetics, Inc.
Classification: Benign for Familial cancer of breast. Last evaluated: 2024-09-10. Review status: criteria provided, single submitter. Criteria: Myriad Autosomal Dominant, Autosomal Recessive and X-Linked Classification Criteria (2023). Collection method: clinical testing. Allele origin: unknown.
Comment: This variant is considered benign. This variant is a silent/synonymous amino acid change and it is not expected to impact splicing.

Color Diagnostics, LLC DBA Color Health
Classification: Likely benign for Hereditary cancer-predisposing syndrome. Last evaluated: 2023-10-16. Review status: criteria provided, single submitter. Criteria: ACMG Guidelines, 2015. Collection method: clinical testing. Allele origin: germline.

Ambry Genetics
Classification: Likely benign for Hereditary cancer-predisposing syndrome. Last evaluated: 2022-06-23. Review status: criteria provided, single submitter. Criteria: Ambry Variant Classification Scheme 2023. Collection method: clinical testing. Allele origin: germline.

NM_032043.3(BRIP1):c.3516A>G (p.Glu1172=)

Gene: BRIP1 (BRCA1 interacting DNA helicase 1; minus strand). Cytogenetic location: 17q23.2.
Variant type: single nucleotide variant.
Coding change: c.3516A>G on transcript NM_032043.3 (MANE Select); coding-DNA position 3516, A replaced by G.
Protein change: p.Glu1172=; no amino-acid change (glutamic acid 1172 retained).
Molecular consequence: synonymous variant.
Genome position (GRCh38, 1-based): chr17:61,683,530, T>C on the plus strand (A>G on the coding strand, the complement: BRIP1 is on the minus strand). VCF-style: chr17-61683530-T-C. GRCh37 (hg19) VCF-style: chr17-59760891-T-C.
Identifiers: ClinVar variation 1732206 (VCV001732206.5), dbSNP rs2544554552, ClinGen allele CA501335265.
Genomic context (GRCh38, chr17:61,683,530, plus strand): 5'-ATCTATGCAATCCTCAGCTTTCACTTCTCTGGCTGAATCTACTTCTTTTATAGTTCTAAT[T>C]TCAAAAAGGTCTTTAGCTAAAATGCAATCTGAATTGTTAGCCAATCTATTTCCTCTATCA-3'
Protein context (NP_114432.2, residues 1162-1182): SDCILAKDLF[Glu1172=]IRTIKEVDSA